The following is an entry in ClinVar:

ClinVar aggregate classification (germline): Uncertain significance (1 of 4 stars; one submission).

Conditions:
Vici syndrome (VICIS). Identifiers: Orphanet 1493, MedGen C1855772, MONDO:0009452, OMIM 242840.

Allele frequency attached by ClinVar (database versions not stated): ExAC 0.00001; gnomAD exomes 0.00001.
gnomAD v4.1: 7 of 1,613,412 alleles (0.00043%); highest among the groups gnomAD compares: Admixed American, 0.0067%; no homozygotes.

Submission:

Labcorp Genetics (formerly Invitae), Labcorp
Classification: Uncertain significance for Vici syndrome. Last evaluated: 2022-10-25. Review status: criteria provided, single submitter. Criteria: Invitae Variant Classification Sherloc (09022015). Collection method: clinical testing. Allele origin: germline.
Comment: This sequence change replaces threonine, which is neutral and polar, with isoleucine, which is neutral and non-polar, at codon 2039 of the EPG5 protein (p.Thr2039Ile). This variant is present in population databases (rs768999379, gnomAD 0.01%). This variant has not been reported in the literature in individuals affected with EPG5-related conditions. ClinVar contains an entry for this variant (Variation ID: 574997). Advanced modeling of protein sequence and biophysical properties (such as structural, functional, and spatial information, amino acid conservation, physicochemical variation, residue mobility, and thermodynamic stability) performed at Invitae indicates that this missense variant is expected to disrupt EPG5 protein function. In summary, the available evidence is currently insufficient to determine the role of this variant in disease. Therefore, it has been classified as a Variant of Uncertain Significance.

NM_020964.3(EPG5):c.6116C>T (p.Thr2039Ile)

Gene: EPG5 (ectopic P-granules 5 autophagy tethering factor; minus strand). Cytogenetic location: 18q12.3.
Variant type: single nucleotide variant.
Coding change: c.6116C>T on transcript NM_020964.3 (MANE Select); coding-DNA position 6116, C replaced by T.
Protein change: p.Thr2039Ile; replaces threonine 2039 with isoleucine.
Molecular consequence: missense variant.
Genome position (GRCh38, 1-based): chr18:45,870,676, G>A on the plus strand (C>T on the coding strand, the complement: EPG5 is on the minus strand). VCF-style: chr18-45870676-G-A. GRCh37 (hg19) VCF-style: chr18-43450641-G-A.
Other names: c.6116C>T, p.Thr2039Ile (LRG_1234t1); short protein forms T2039I.
Identifiers: ClinVar variation 574997 (VCV000574997.7), dbSNP rs768999379, ClinGen allele CA8948365.